The following is an entry in ClinVar:

ClinVar aggregate classification (germline): Uncertain significance (1 of 4 stars; one submission).

Submission:

GeneDx
Classification: Uncertain significance. Last evaluated: 2023-04-19. Review status: criteria provided, single submitter. Criteria: GeneDx Variant Classification Process June 2021. Collection method: clinical testing. Allele origin: germline. Affected: yes.
Comment: Nonsense variant predicted to result in protein truncation or nonsense mediated decay in a gene or region of a gene for which loss of function is not a well-established mechanism of disease; Not observed at significant frequency in large population cohorts (gnomAD); Has not been previously published as pathogenic or benign to our knowledge; Variants in candidate genes are classified as variants of uncertain significance in accordance with ACMG guidelines (Richards et al., 2015)

NM_001178015.2(SLC4A10):c.16C>T (p.Gln6Ter)

Gene: SLC4A10 (solute carrier family 4 member 10; plus strand). Cytogenetic location: 2q24.2.
Variant type: single nucleotide variant.
Coding change: c.16C>T on transcript NM_001178015.2 (MANE Select); coding-DNA position 16, C replaced by T.
Protein change: p.Gln6Ter; replaces glutamine 6 with a stop codon.
Molecular consequence: nonsense. On other transcripts: 5 prime UTR variant (10).
Genome position (GRCh38, 1-based): chr2:161,624,534, C>T. VCF-style: chr2-161624534-C-T. GRCh37 (hg19) VCF-style: chr2-162481044-C-T.
Other names: c.-88C>T (NM_001178016.2, NM_001354441.2, NM_001354442.2 and 2 more transcripts); c.16C>T, p.Gln6Ter (NM_001354440.2, NM_001354444.2, NM_001354446.2 and 5 more transcripts); c.-83C>T (NM_001354443.2, NM_001354460.2); c.-219C>T (NM_001354447.2, NM_001354461.2); c.-670C>T (NM_001354455.2); short protein forms Q6*.
Identifiers: ClinVar variation 2663532 (VCV002663532.1), dbSNP rs2031860777, ClinGen allele CA349210726.